The following is an entry in ClinVar:

ClinVar aggregate classification (germline): Benign/Likely benign. Review status: criteria provided, multiple submitters, no conflicts (2 of 4 stars). 2 submissions from 2 submitters: Benign (1); Likely benign (1). Last evaluated 2024-03-07.

Allele frequency attached by ClinVar (database versions not stated): TOPMed 0.00005; gnomAD 0.00006; gnomAD exomes 0.00006 and 0.00007; ExAC 0.00007; ESP Exome Variant Server 0.00009.
gnomAD v4.1: 82 of 1,209,177 alleles (0.0068%); highest among the groups gnomAD compares: Middle Eastern, 0.069%; no homozygotes.

Submissions (2):

Labcorp Genetics (formerly Invitae), Labcorp
Classification: Benign. Last evaluated: 2024-03-07. Review status: criteria provided, single submitter. Criteria: Invitae Variant Classification Sherloc (09022015). Collection method: clinical testing. Allele origin: germline.

CeGaT Center for Human Genetics Tuebingen
Classification: Likely benign. Last evaluated: 2023-08-01. Review status: criteria provided, single submitter. Criteria: CeGaT Center For Human Genetics Tuebingen Variant Classification Criteria Version 2. Collection method: clinical testing. Allele origin: germline. Affected: yes. Observed: 1 variant allele.
Comment: HUWE1: BP4, BP7, BS2

NM_031407.7(HUWE1):c.9576A>T (p.Leu3192=)

Gene: HUWE1 (HECT, UBA and WWE domain containing E3 ubiquitin protein ligase 1; minus strand). Cytogenetic location: Xp11.22.
Variant type: single nucleotide variant.
Coding change: c.9576A>T on transcript NM_031407.7 (MANE Select); coding-DNA position 9576, A replaced by T.
Protein change: p.Leu3192=; no amino-acid change (leucine 3192 retained).
Molecular consequence: synonymous variant.
Genome position (GRCh38, 1-based): chrX:53,549,418, T>A on the plus strand (A>T on the coding strand, the complement: HUWE1 is on the minus strand). VCF-style: chrX-53549418-T-A. GRCh37 (hg19) VCF-style: chrX-53576379-T-A.
Identifiers: ClinVar variation 734353 (VCV000734353.30), dbSNP rs141901327, ClinGen allele CA10421636.
Genomic context (GRCh38, chrX:53,549,418, plus strand): 5'-GAGATTTCTCAGTACTCGGTGTAGACGGCTAGTATTGAGCTTTGGCTCATCCACAAAAAG[T>A]AGGACCAAGAGACAAGAAAGGGCTTCGTGGTCCAGAAGGAGCCGTCCTCGGAGGCGGAGG-3'
Protein context (NP_113584.3, residues 3182-3202): DHEALSCLLV[Leu3192=]LFVDEPKLNT